The following is an entry in ClinVar:

NM_017950.4(CCDC40):c.2117A>G (p.Asn706Ser)

Gene: CCDC40 (coiled-coil domain 40 molecular ruler complex subunit; plus strand). Cytogenetic location: 17q25.3.
Variant type: single nucleotide variant.
Coding change: c.2117A>G on transcript NM_017950.4 (MANE Select); coding-DNA position 2117, A replaced by G.
Protein change: p.Asn706Ser; replaces asparagine 706 with serine.
Molecular consequence: missense variant.
Genome position (GRCh38, 1-based): chr17:80,084,870, A>G. VCF-style: chr17-80084870-A-G. GRCh37 (hg19) VCF-style: chr17-78058669-A-G.
Other names: c.2117A>G (NM_017950.3); c.2117A>G, p.Asn706Ser (NM_001243342.2); short protein forms N706S.
Identifiers: ClinVar variation 1510014 (VCV001510014.7), dbSNP rs2143744575, ClinGen allele CA401343309.

ClinVar aggregate classification (germline): Uncertain significance. Review status: criteria provided, multiple submitters, no conflicts (2 of 4 stars). 2 submissions from 2 submitters: Uncertain significance (2). Last evaluated 2024-10-15.

Conditions:
Primary ciliary dyskinesia. Also called: Ciliary dyskinesia. Identifiers: Orphanet 244, MedGen C0008780, MONDO:0016575, HP:0012265.

Allele frequency attached by ClinVar (database versions not stated): gnomAD exomes 0.00002.
gnomAD v4.1: 31 of 1,614,178 alleles (0.0019%); highest among the groups gnomAD compares: Non-Finnish European, 0.0025%; no homozygotes.

Submissions (2):

Labcorp Genetics (formerly Invitae), Labcorp
Classification: Uncertain significance for Primary ciliary dyskinesia. Last evaluated: 2024-10-15. Review status: criteria provided, single submitter. Criteria: Invitae Variant Classification Sherloc (09022015). Collection method: clinical testing. Allele origin: germline.
Comment: This sequence change replaces asparagine, which is neutral and polar, with serine, which is neutral and polar, at codon 706 of the CCDC40 protein (p.Asn706Ser). This variant is not present in population databases (gnomAD no frequency). This variant has not been reported in the literature in individuals affected with CCDC40-related conditions. ClinVar contains an entry for this variant (Variation ID: 1510014). Invitae Evidence Modeling of protein sequence and biophysical properties (such as structural, functional, and spatial information, amino acid conservation, physicochemical variation, residue mobility, and thermodynamic stability) indicates that this missense variant is not expected to disrupt CCDC40 protein function with a negative predictive value of 80%. In summary, the available evidence is currently insufficient to determine the role of this variant in disease. Therefore, it has been classified as a Variant of Uncertain Significance.

Ambry Genetics
Classification: Uncertain significance for Primary ciliary dyskinesia. Last evaluated: 2023-12-27. Review status: criteria provided, single submitter. Criteria: Ambry Variant Classification Scheme 2023. Collection method: clinical testing. Allele origin: germline.